The following is an entry in ClinVar:

NM_000138.5(FBN1):c.3025C>T (p.Pro1009Ser)

Gene: FBN1 (fibrillin 1; minus strand). Cytogenetic location: 15q21.1.
Variant type: single nucleotide variant.
Coding change: c.3025C>T on transcript NM_000138.5 (MANE Select); coding-DNA position 3025, C replaced by T.
Protein change: p.Pro1009Ser; replaces proline 1009 with serine.
Molecular consequence: missense variant.
Genome position (GRCh38, 1-based): chr15:48,489,908, G>A on the plus strand (C>T on the coding strand, the complement: FBN1 is on the minus strand). VCF-style: chr15-48489908-G-A. GRCh37 (hg19) VCF-style: chr15-48782105-G-A.
Other names: c.3025C>T, p.Pro1009Ser (NM_001406716.1); short protein forms P1009S.
Identifiers: ClinVar variation 2773365 (VCV002773365.2), dbSNP rs2505557800, ClinGen allele CA392328992.

ClinVar aggregate classification (germline): Uncertain significance (1 of 4 stars; one submission).

Conditions:
Familial thoracic aortic aneurysm and aortic dissection (TAAD). Also called: Thoracic aortic aneurysms and dissections. Identifiers: Orphanet 91387, MedGen C4707243, MONDO:0019625.

Submission:

Color Diagnostics, LLC DBA Color Health
Classification: Uncertain significance for Familial thoracic aortic aneurysm and aortic dissection. Last evaluated: 2023-01-09. Review status: criteria provided, single submitter. Criteria: ACMG Guidelines, 2015. Collection method: clinical testing. Allele origin: germline.
Comment: This missense variant replaces proline with serine at codon 1009 of the FBN1 protein. Computational prediction suggests that this variant may have deleterious impact on protein structure and function (internally defined REVEL score threshold >= 0.7, PMID: 27666373). To our knowledge, functional studies have not been reported for this variant. This variant has not been reported in individuals affected with FBN1-related disorders in the literature. This variant has not been identified in the general population by the Genome Aggregation Database (gnomAD). The available evidence is insufficient to determine the role of this variant in disease conclusively. Therefore, this variant is classified as a Variant of Uncertain Significance.